The following is an entry in ClinVar:

NM_004171.4(SLC1A2):c.17+38553G>A

Gene: SLC1A2 (solute carrier family 1 member 2; minus strand). Cytogenetic location: 11p13.
Variant type: single nucleotide variant.
Coding change: c.17+38553G>A on transcript NM_004171.4 (MANE Select); 38553 bases into the intron after coding-DNA position 17, G replaced by A.
Molecular consequence: intron variant.
Genome position (GRCh38, 1-based): chr11:35,380,397, C>T on the plus strand (G>A on the coding strand, the complement: SLC1A2 is on the minus strand). VCF-style: chr11-35380397-C-T. GRCh37 (hg19) VCF-style: chr11-35401944-C-T.
Other names: c.-11+39511G>A (NM_001439341.1); c.-166-9301G>A (NM_001252652.2); c.17+38553G>A (NM_001439343.1); c.5+39539G>A (NM_001439342.1); c.-130+39539G>A (NM_001195728.3).
Identifiers: ClinVar variation 4873250 (VCV004873250.2).
Genomic context (GRCh38, chr11:35,380,397, plus strand): 5'-GAAAAATAAGCCAGGTTGTAGCCCTGGTCATTGTGAGCACTAACCTTCTCCAAATGTGGT[C>T]CTTGGGCCTCTTCATGGATGCATATGTGCGAGTTATTCTAGGTGATCTCTTGTTAAAGAG-3'

ClinVar aggregate classification (germline): Likely benign (1 of 4 stars; one submission).

gnomAD v4.1: 425 of 398,584 alleles (0.11%); highest among the groups gnomAD compares: African/African-American, 0.73%; 1 homozygote.

Submission:

CeGaT Center for Human Genetics Tuebingen
Classification: Likely benign. Last evaluated: 2026-06-01. Review status: criteria provided, single submitter. Criteria: CeGaT Center For Human Genetics Tuebingen Variant Classification Criteria Version 2. Collection method: clinical testing. Allele origin: germline. Affected: yes. Observed: 1 variant allele.
Comment: SLC1A2: BS1